The following is an entry in ClinVar:

ClinVar aggregate classification (germline): Uncertain significance (1 of 4 stars; one submission).

Submission:

Labcorp Genetics (formerly Invitae), Labcorp
Classification: Uncertain significance. Last evaluated: 2019-11-17. Review status: criteria provided, single submitter. Criteria: Invitae Variant Classification Sherloc (09022015). Collection method: clinical testing. Allele origin: germline.
Comment: This sequence change replaces alanine with serine at codon 612 of the MID2 protein (p.Ala612Ser). The alanine residue is moderately conserved and there is a moderate physicochemical difference between alanine and serine. This variant is not present in population databases (ExAC no frequency). This variant has not been reported in the literature in individuals with MID2-related conditions. Algorithms developed to predict the effect of missense changes on protein structure and function are either unavailable or do not agree on the potential impact of this missense change (SIFT: "Tolerated"; PolyPhen-2: "Probably Damaging"; Align-GVGD: "Class C0"). In summary, the available evidence is currently insufficient to determine the role of this variant in disease. Therefore, it has been classified as a Variant of Uncertain Significance.

NM_012216.4(MID2):c.1834G>T (p.Ala612Ser)

Genes: MID2 (midline 2; plus strand), LOC101928335 (uncharacterized LOC101928335; minus strand). Cytogenetic location: Xq22.3.
Variant type: single nucleotide variant.
Coding change: c.1834G>T on transcript NM_012216.4 (MANE Select); coding-DNA position 1834, G replaced by T.
Protein change: p.Ala612Ser; replaces alanine 612 with serine.
Molecular consequence: missense variant.
Genome position (GRCh38, 1-based): chrX:107,926,699, G>T. VCF-style: chrX-107926699-G-T. GRCh37 (hg19) VCF-style: chrX-107169929-G-T.
Other names: c.1744G>T, p.Ala582Ser (NM_052817.3); short protein forms A612S, A582S.
Identifiers: ClinVar variation 857934 (VCV000857934.9), dbSNP rs1043455686, ClinGen allele CA333534390.
Genomic context (GRCh38, chrX:107,926,699, plus strand): 5'-TTTATTTCTCTCTCCTTTCCACTGTCTCACAGGTATGCAATTGGCATTGCCTACAAATCA[G>T]CTCCAAAGAATGAATGGATTGGCAAGAATGCCTCCTCATGGGTCTTCTCTCGCTGCAATA-3'
Protein context (NP_036348.2, residues 602-622): WYAIGIAYKS[Ala612Ser]PKNEWIGKNA